The following is an entry in ClinVar:

ClinVar aggregate classification (germline): Uncertain significance (0 of 4 stars; one submission).

Conditions:
SLC7A3-related disorder. Also called: SLC7A3-related condition.

Submission:

PreventionGenetics, part of Exact Sciences
Classification: Uncertain significance for SLC7A3-related condition. Last evaluated: 2024-05-07. Review status: no assertion criteria provided. Collection method: clinical testing. Allele origin: germline.
Comment: The SLC7A3 c.1174A>G variant is predicted to result in the amino acid substitution p.Ile392Val. To our knowledge, this variant has not been reported in the literature or in a large population database, indicating this variant is rare. At this time, the clinical significance of this variant is uncertain due to the absence of conclusive functional and genetic evidence.

NM_032803.6(SLC7A3):c.1174A>G (p.Ile392Val)

Gene: SLC7A3 (solute carrier family 7 member 3; minus strand). Cytogenetic location: Xq13.1.
Variant type: single nucleotide variant.
Coding change: c.1174A>G on transcript NM_032803.6 (MANE Select); coding-DNA position 1174, A replaced by G.
Protein change: p.Ile392Val; replaces isoleucine 392 with valine.
Molecular consequence: missense variant.
Genome position (GRCh38, 1-based): chrX:70,927,493, T>C on the plus strand (A>G on the coding strand, the complement: SLC7A3 is on the minus strand). VCF-style: chrX-70927493-T-C. GRCh37 (hg19) VCF-style: chrX-70147343-T-C.
Other names: c.1174A>G, p.Ile392Val (NM_001048164.3); short protein forms I392V.
Identifiers: ClinVar variation 3345432 (VCV003345432.1).
Genomic context (GRCh38, chrX:70,927,493, plus strand): 5'-GTTAAAGAAGTTGGCGAAACAACTAAGGGAAGGGGAAAGAGGGTCTGTTACCTGCAATAA[T>C]GCCAGAGACCACGGTGGCTATGATTGGGGTGCGTGTGCCGGTGTGGATCCGAGCAAGTAC-3'
Protein context (NP_116192.4, residues 382-402): TPIIATVVSG[Ile392Val]IAAFMAFLFK